The following is an entry in ClinVar:

NM_172250.3(MMAA):c.7A>G (p.Met3Val)

Gene: MMAA (metabolism of cobalamin associated A; plus strand). Cytogenetic location: 4q31.21.
Variant type: single nucleotide variant.
Coding change: c.7A>G on transcript NM_172250.3 (MANE Select); coding-DNA position 7, A replaced by G.
Protein change: p.Met3Val; replaces methionine 3 with valine.
Molecular consequence: missense variant.
Genome position (GRCh38, 1-based): chr4:145,639,146, A>G. VCF-style: chr4-145639146-A-G. GRCh37 (hg19) VCF-style: chr4-146560298-A-G.
Other names: c.7A>G (NM_172250.2); c.7A>G, p.Met3Val (NM_001375644.1); short protein forms M3V.
Identifiers: ClinVar variation 1479375 (VCV001479375.4), dbSNP rs527340737, ClinGen allele CA3095100.

ClinVar aggregate classification (germline): Uncertain significance. Review status: criteria provided, multiple submitters, no conflicts (2 of 4 stars). 2 submissions from 2 submitters: Uncertain significance (2). Last evaluated 2024-05-02.

Conditions:
Inborn genetic diseases. Identifiers: MedGen C0950123, MeSH D030342.
Methylmalonic aciduria, cblA type (MACA). Also called: Vitamin B12-responsive methylmalonic acidemia type cblA; Methylmalonic aciduria, vitamin B12-responsive; Methylmalonic aciduria, vitamin b12-responsive, due to defect in synthesis of adenosylcobalamin, cbla complementation type; MMA cbl A type; Methylmalonic acidemia cblA type. Identifiers: Orphanet 28, Orphanet 79310, MedGen C1855109, MONDO:0009613, OMIM 251100.

Allele frequency attached by ClinVar (database versions not stated): gnomAD exomes 0.00001 and 0.00004; ExAC 0.00002; TOPMed 0.00008; gnomAD 0.00009.
gnomAD v4.1: 39 of 1,614,216 alleles (0.0024%); highest among the groups gnomAD compares: African/African-American, 0.036%; no homozygotes.

Submissions (2):

Ambry Genetics
Classification: Uncertain significance for Inborn genetic diseases. Last evaluated: 2024-05-02. Review status: criteria provided, single submitter. Criteria: Ambry Variant Classification Scheme 2023. Collection method: clinical testing. Allele origin: germline.

Labcorp Genetics (formerly Invitae), Labcorp
Classification: Uncertain significance for Methylmalonic aciduria, cblA type. Last evaluated: 2022-09-26. Review status: criteria provided, single submitter. Criteria: Invitae Variant Classification Sherloc (09022015). Collection method: clinical testing. Allele origin: germline.
Comment: This sequence change replaces methionine, which is neutral and non-polar, with valine, which is neutral and non-polar, at codon 3 of the MMAA protein (p.Met3Val). This variant is present in population databases (rs527340737, gnomAD 0.04%). This variant has not been reported in the literature in individuals affected with MMAA-related conditions. ClinVar contains an entry for this variant (Variation ID: 1479375). Advanced modeling of protein sequence and biophysical properties (such as structural, functional, and spatial information, amino acid conservation, physicochemical variation, residue mobility, and thermodynamic stability) performed at Invitae indicates that this missense variant is not expected to disrupt MMAA protein function. In summary, the available evidence is currently insufficient to determine the role of this variant in disease. Therefore, it has been classified as a Variant of Uncertain Significance.